The following is an entry in ClinVar:

NM_198859.4(PRICKLE2):c.2119G>A (p.Ala707Thr)

Genes: PRICKLE2 (prickle planar cell polarity protein 2; minus strand), PRICKLE2-AS1 (PRICKLE2 antisense RNA 1; plus strand). Cytogenetic location: 3p14.1.
Variant type: single nucleotide variant.
Coding change: c.2119G>A on transcript NM_198859.4 (MANE Select); coding-DNA position 2119, G replaced by A.
Protein change: p.Ala707Thr; replaces alanine 707 with threonine.
Molecular consequence: missense variant. On other transcripts: non-coding transcript variant (1).
Genome position (GRCh38, 1-based): chr3:64,099,467, C>T on the plus strand (G>A on the coding strand, the complement: PRICKLE2 is on the minus strand). VCF-style: chr3-64099467-C-T. GRCh37 (hg19) VCF-style: chr3-64085143-C-T.
Other names: c.2119G>A, p.Ala707Thr (NM_001370528.1); short protein forms A707T.
Identifiers: ClinVar variation 2132597 (VCV002132597.5), dbSNP rs2471101233, ClinGen allele CA353426748.

ClinVar aggregate classification (germline): Uncertain significance. Review status: criteria provided, multiple submitters, no conflicts (2 of 4 stars). 2 submissions from 2 submitters: Uncertain significance (2). Last evaluated 2023-07-10.

Conditions:
Progressive myoclonic epilepsy type 5. Identifiers: Orphanet 402082, MedGen C5190799.

Submissions (2):

Labcorp Genetics (formerly Invitae), Labcorp
Classification: Uncertain significance for Progressive myoclonic epilepsy type 5. Last evaluated: 2023-07-10. Review status: criteria provided, single submitter. Criteria: Invitae Variant Classification Sherloc (09022015). Collection method: clinical testing. Allele origin: germline.
Comment: This variant is not present in population databases (gnomAD no frequency). This sequence change replaces alanine, which is neutral and non-polar, with threonine, which is neutral and polar, at codon 707 of the PRICKLE2 protein (p.Ala707Thr). This variant has not been reported in the literature in individuals affected with PRICKLE2-related conditions. In summary, the available evidence is currently insufficient to determine the role of this variant in disease. Therefore, it has been classified as a Variant of Uncertain Significance. Advanced modeling of protein sequence and biophysical properties (such as structural, functional, and spatial information, amino acid conservation, physicochemical variation, residue mobility, and thermodynamic stability) performed at Invitae indicates that this missense variant is not expected to disrupt PRICKLE2 protein function. ClinVar contains an entry for this variant (Variation ID: 2132597).

Blueprint Genetics
Classification: Uncertain significance. Last evaluated: 2022-12-02. Review status: criteria provided, single submitter. Criteria: ACMG Guidelines, 2015. Collection method: clinical testing. Allele origin: germline.